The following is an entry in ClinVar:

ClinVar aggregate classification (germline): Likely benign (1 of 4 stars; one submission).

Conditions:
TJP2-related disorder. Also called: TJP2-related condition.

Submission:

PreventionGenetics, part of Exact Sciences
Classification: Likely benign for TJP2-related condition. Last evaluated: 2025-11-25. Review status: criteria provided, single submitter. Criteria: ACMG Guidelines, 2015. Collection method: clinical testing. Allele origin: germline.
Comment: This variant is classified as likely benign based on ACMG/AMP sequence variant interpretation guidelines (Richards et al. 2015 PMID: 25741868, with internal and published modifications).

NM_004817.4(TJP2):c.727C>A (p.Arg243=)

Gene: TJP2 (tight junction protein 2; plus strand). Cytogenetic location: 9q21.11.
Variant type: single nucleotide variant.
Coding change: c.727C>A on transcript NM_004817.4 (MANE Select); coding-DNA position 727, C replaced by A.
Protein change: p.Arg243=; no amino-acid change (arginine 243 retained).
Molecular consequence: synonymous variant.
Genome position (GRCh38, 1-based): chr9:69,221,271, C>A. VCF-style: chr9-69221271-C-A. GRCh37 (hg19) VCF-style: chr9-71836187-C-A.
Other names: c.658C>A, p.Arg220= (NM_001170414.2, NM_001369870.1, NM_001369871.1); c.739C>A, p.Arg247= (NM_001170415.1, NM_001369874.1, NM_001369875.1); c.820C>A, p.Arg274= (NM_001170416.2); c.727C>A, p.Arg243= (NM_001369872.1, NM_001369873.1, NM_201629.3).
Identifiers: ClinVar variation 4995719 (VCV004995719.1).